The following is an entry in ClinVar:

ClinVar aggregate classification (germline): Pathogenic (1 of 4 stars; one submission).

Submission:

Illumina Laboratory Services, Illumina
Classification: Pathogenic. Last evaluated: 2023-03-16. Review status: criteria provided, single submitter. Criteria: ICSL CNVClassificationCriteria Aug2020. Collection method: clinical testing. Allele origin: unknown.
Comment: This CNV is a 16.7 Mb deletion on chromosome 9, (seq[GRCh37]del(9)(q22.2q31.2); chr9:NC_000009.11:92679543_109378847del), of unknown inheritance. This CNV constitutes a deletion encompassing 102 protein coding genes, including the PTCH1 gene and the minimal critical region of the 9q22.3 microdeletion (PMID: 21850767; PMID: 22190277; PMID: 32028043). This CNV has not been reported in controls. Based on the available evidence, this CNV is classified as pathogenic.

Single allele

Genes: ABCA1 (ATP binding cassette subfamily A member 1; minus strand), ALDOB (aldolase, fructose-bisphosphate B; minus strand), ALG2 (ALG2 alpha-1,3/1,6-mannosyltransferase; minus strand), ANKS6 (ankyrin repeat and sterile alpha motif domain containing 6; minus strand), ANP32B (acidic nuclear phosphoprotein 32 family member B; plus strand) and 103 more. Cytogenetic location: 9q22.2-31.2.
Variant type: Deletion.
Identifiers: ClinVar variation 2671591 (VCV002671591.1).